The following is an entry in ClinVar:

ClinVar aggregate classification (germline): Uncertain significance (1 of 4 stars; one submission).

Submission:

CeGaT Center for Human Genetics Tuebingen
Classification: Uncertain significance. Last evaluated: 2024-05-01. Review status: criteria provided, single submitter. Criteria: CeGaT Center For Human Genetics Tuebingen Variant Classification Criteria Version 2. Collection method: clinical testing. Allele origin: germline. Affected: yes. Observed: 1 variant allele.
Comment: RERE: PM2

NM_001042681.2(RERE):c.1040G>A (p.Gly347Asp)

Gene: RERE (arginine-glutamic acid dipeptide repeats; minus strand). Cytogenetic location: 1p36.23.
Variant type: single nucleotide variant.
Coding change: c.1040G>A on transcript NM_001042681.2 (MANE Select); coding-DNA position 1040, G replaced by A.
Protein change: p.Gly347Asp; replaces glycine 347 with aspartic acid.
Molecular consequence: missense variant.
Genome position (GRCh38, 1-based): chr1:8,495,127, C>T on the plus strand (G>A on the coding strand, the complement: RERE is on the minus strand). VCF-style: chr1-8495127-C-T. GRCh37 (hg19) VCF-style: chr1-8555187-C-T.
Other names: c.1040G>A, p.Gly347Asp (NM_012102.4); short protein forms G347D.
Identifiers: ClinVar variation 3239482 (VCV003239482.19), dbSNP rs2521783189.